The following is an entry in ClinVar:

ClinVar aggregate classification (germline): Uncertain significance (1 of 4 stars; one submission).

Conditions:
Bardet-Biedl syndrome (BBS). Identifiers: Orphanet 110, MedGen C0752166, MONDO:0015229.

Submission:

Labcorp Genetics (formerly Invitae), Labcorp
Classification: Uncertain significance for Bardet-Biedl syndrome. Last evaluated: 2022-01-28. Review status: criteria provided, single submitter. Criteria: Invitae Variant Classification Sherloc (09022015). Collection method: clinical testing. Allele origin: germline.
Comment: In summary, the available evidence is currently insufficient to determine the role of this variant in disease. Therefore, it has been classified as a Variant of Uncertain Significance. Algorithms developed to predict the effect of missense changes on protein structure and function are either unavailable or do not agree on the potential impact of this missense change (SIFT: "Deleterious"; PolyPhen-2: "Probably Damaging"; Align-GVGD: "Class C0"). This variant has not been reported in the literature in individuals affected with BBS12-related conditions. This variant is not present in population databases (gnomAD no frequency). This sequence change replaces isoleucine, which is neutral and non-polar, with phenylalanine, which is neutral and non-polar, at codon 346 of the BBS12 protein (p.Ile346Phe).

NM_152618.3(BBS12):c.1036A>T (p.Ile346Phe)

Gene: BBS12 (Bardet-Biedl syndrome 12; plus strand). Cytogenetic location: 4q27.
Variant type: single nucleotide variant.
Coding change: c.1036A>T on transcript NM_152618.3 (MANE Select); coding-DNA position 1036, A replaced by T.
Protein change: p.Ile346Phe; replaces isoleucine 346 with phenylalanine.
Molecular consequence: missense variant.
Genome position (GRCh38, 1-based): chr4:122,742,928, A>T. VCF-style: chr4-122742928-A-T. GRCh37 (hg19) VCF-style: chr4-123664083-A-T.
Other names: c.1036A>T, p.Ile346Phe (NM_001178007.2); short protein forms I346F.
Identifiers: ClinVar variation 2090964 (VCV002090964.4), dbSNP rs2485074811, ClinGen allele CA358224255.